The following is an entry in ClinVar:

ClinVar aggregate classification (germline): Likely pathogenic. Review status: criteria provided, multiple submitters, no conflicts (2 of 4 stars). 4 submissions from 4 submitters: Likely pathogenic (3). 1 of the submissions does not count toward it. Last evaluated 2020-01-07.

Conditions:
PRPH2-related disorder. Also called: PRPH2-related disorders; PRPH2-related condition. Identifiers: MedGen CN239395.
Retinitis pigmentosa (RP). Identifiers: Orphanet 791, MedGen C0035334, MeSH D012174, MONDO:0019200, OMIM 268000. Inheritance: Autosomal dominant, autosomal recessive and X linked inheritance.

gnomAD v4.1: 1 of 1,614,208 alleles (0.000062%); no homozygotes.

Submissions (4):

NEI Ophthalmic Genomics Laboratory, National Institutes of Health
Classification: Likely pathogenic for Retinitis pigmentosa. Last evaluated: 2020-01-07. Review status: criteria provided, single submitter. Criteria: ACMG Guidelines, 2015. Collection method: clinical testing. Allele origin: germline. Affected: yes.
Comment: The variant NM_000322.4:c.522G>C in the PRPH2 gene has not been reported to our knowledge . This variant is not listed in dbSNP and/or HGMD. It is absent in gnomAD browser. It is not enriched in the PRPH2 disease cohort. We invoked ACMG criteria [PM1, PM2, PP3, PP5] and classified NM_000322.4:c.522G>C in the PRPH2 gene as a Likely Pathogenic mutation.

Blueprint Genetics
Classification: Likely pathogenic for PRPH2-related disorders. Last evaluated: 2018-07-05. Review status: criteria provided, single submitter. Criteria: ACMG Guidelines, 2015. Collection method: clinical testing. Allele origin: germline. Affected: yes. Observed: 2 variant alleles.

GeneDx
Classification: Likely pathogenic. Last evaluated: 2013-03-01. Review status: criteria provided, single submitter. Criteria: GeneDx Variant Classification (06012015). Collection method: clinical testing. Allele origin: germline. Affected: yes.
Comment: The W174C missense substitution in the PRPH2 (aka RDS) gene has not been published as a pathogenic variant, nor has it been reported as a benign polymorphism to our knowledge. The W174C amino acid substitution is non-conservative with a non-polar residue (Trp) being replaced by a polar reside (Cys), which may also affect disulfide bonds. The Human Gene Mutation database reports that many missense variants (G170S, R172Q, R172G, R172W, D173V, Q178R, W179R) have been reported in neighboring codons in association with PRPH2-related disorders. The residue at which this substitution occurs is highly conserved in the Peripherin-2 protein and in related proteins. An external variant database reports that W174C was not observed in approximately 6,000 samples from individuals of European and African American backgrounds, indicating it is not a common benign variant in these populations. Therefore, this is a good candidate for a pathogenic variant, although the possibility that it is a benign polymorphism cannot be excluded.

Leiden Open Variation Database
Classification: Uncertain significance. Last evaluated: 2021-04-06. Review status: no assertion criteria provided. Collection method: curation. Allele origin: germline. Affected: yes. Not counted in ClinVar's aggregate classification.
Comment: Curator: Global Variome, with Curator vacancy. Submitter to LOVD: Manon Peeters.

Literature cited by the submitters: PubMed 32531846 (cited by Leiden Open Variation Database).

NM_000322.5(PRPH2):c.522G>C (p.Trp174Cys)

Gene: PRPH2 (peripherin 2; minus strand). Cytogenetic location: 6p21.1.
Variant type: single nucleotide variant.
Coding change: c.522G>C on transcript NM_000322.5 (MANE Select); coding-DNA position 522, G replaced by C.
Protein change: p.Trp174Cys; replaces tryptophan 174 with cysteine.
Molecular consequence: missense variant.
Genome position (GRCh38, 1-based): chr6:42,721,813, C>G on the plus strand (G>C on the coding strand, the complement: PRPH2 is on the minus strand). VCF-style: chr6-42721813-C-G. GRCh37 (hg19) VCF-style: chr6-42689551-C-G.
Other names: short protein forms W174C.
Identifiers: ClinVar variation 418425 (VCV000418425.6), dbSNP rs1064793237, ClinGen allele CA16618286.